The following is an entry in ClinVar:

ClinVar aggregate classification (germline): Uncertain significance (1 of 4 stars; one submission).

gnomAD v4.1: 4 of 1,613,254 alleles (0.00025%); highest among the groups gnomAD compares: Non-Finnish European, 0.00034%; no homozygotes.

Submission:

Athena Diagnostics
Classification: Uncertain significance. Last evaluated: 2024-02-19. Review status: criteria provided, single submitter. Criteria: Athena Diagnostics Criteria. Collection method: clinical testing. Allele origin: unknown.
Comment: Available data are insufficient to determine the clinical significance of the variant at this time. The frequency of this variant in the general population is uninformative in assessment of its pathogenicity. Computational tools yielded predictions that this variant is unlikely to have an effect on normal RNA splicing.

NM_001378452.1(ITPR1):c.1413-5C>T

Gene: ITPR1 (inositol 1,4,5-trisphosphate receptor type 1; plus strand). Cytogenetic location: 3p26.1.
Variant type: single nucleotide variant.
Coding change: c.1413-5C>T on transcript NM_001378452.1 (MANE Select); 5 bases into the intron before coding-DNA position 1413, C replaced by T.
Molecular consequence: intron variant.
Genome position (GRCh38, 1-based): chr3:4,663,060, C>T. VCF-style: chr3-4663060-C-T. GRCh37 (hg19) VCF-style: chr3-4704744-C-T.
Other names: c.1413-5C>T (NM_001099952.4); c.1368-5C>T (NM_001168272.2, NM_002222.7).
Identifiers: ClinVar variation 3571937 (VCV003571937.1).